The following is an entry in ClinVar:

ClinVar aggregate classification (germline): Benign/Likely benign. Review status: criteria provided, multiple submitters, no conflicts (2 of 4 stars). 2 submissions from 2 submitters: Benign (1); Likely benign (1). Last evaluated 2025-05-26.

Allele frequency attached by ClinVar (database versions not stated): ExAC 0.00001; gnomAD 0.00003; ESP Exome Variant Server 0.00008.
gnomAD v4.1: 67 of 1,614,054 alleles (0.0042%); highest among the groups gnomAD compares: Non-Finnish European, 0.0053%; no homozygotes.

Submissions (2):

Labcorp Genetics (formerly Invitae), Labcorp
Classification: Benign. Last evaluated: 2025-05-26. Review status: criteria provided, single submitter. Criteria: Invitae Variant Classification Sherloc (09022015). Collection method: clinical testing. Allele origin: germline.

CeGaT Center for Human Genetics Tuebingen
Classification: Likely benign. Last evaluated: 2024-06-01. Review status: criteria provided, single submitter. Criteria: CeGaT Center For Human Genetics Tuebingen Variant Classification Criteria Version 2. Collection method: clinical testing. Allele origin: germline. Affected: yes. Observed: 1 variant allele.
Comment: KAT6A: BS2

NM_006766.5(KAT6A):c.5417C>T (p.Ala1806Val)

Gene: KAT6A (lysine acetyltransferase 6A; minus strand). Cytogenetic location: 8p11.21.
Variant type: single nucleotide variant.
Coding change: c.5417C>T on transcript NM_006766.5 (MANE Select); coding-DNA position 5417, C replaced by T.
Protein change: p.Ala1806Val; replaces alanine 1806 with valine.
Molecular consequence: missense variant.
Genome position (GRCh38, 1-based): chr8:41,932,803, G>A on the plus strand (C>T on the coding strand, the complement: KAT6A is on the minus strand). VCF-style: chr8-41932803-G-A. GRCh37 (hg19) VCF-style: chr8-41790321-G-A.
Other names: short protein forms A1806V.
Identifiers: ClinVar variation 1984387 (VCV001984387.22), dbSNP rs375665086, ClinGen allele CA4729309.